The following is an entry in ClinVar:

ClinVar aggregate classification (germline): Likely benign (1 of 4 stars; one submission).

Allele frequency attached by ClinVar (database versions not stated): 1000 Genomes Project 30x 0.00078; 1000 Genomes Project 0.00100; gnomAD 0.00305; TOPMed 0.00308; ExAC 0.00355; ESP Exome Variant Server 0.00446.
gnomAD v4.1: 7,522 of 1,610,402 alleles (0.47%); highest among the groups gnomAD compares: Non-Finnish European, 0.56%; 29 homozygotes.

Submission:

CeGaT Center for Human Genetics Tuebingen
Classification: Likely benign. Last evaluated: 2023-08-01. Review status: criteria provided, single submitter. Criteria: CeGaT Center For Human Genetics Tuebingen Variant Classification Criteria Version 2. Collection method: clinical testing. Allele origin: germline. Affected: yes. Observed: 2 variant alleles.
Comment: ZYX: BP4, BP7, BS2

NM_003461.5(ZYX):c.276C>T (p.Ala92=)

Gene: ZYX (zyxin; plus strand). Cytogenetic location: 7q34.
Variant type: single nucleotide variant.
Coding change: c.276C>T on transcript NM_003461.5 (MANE Select); coding-DNA position 276, C replaced by T.
Protein change: p.Ala92=; no amino-acid change (alanine 92 retained).
Molecular consequence: synonymous variant.
Genome position (GRCh38, 1-based): chr7:143,382,315, C>T. VCF-style: chr7-143382315-C-T. GRCh37 (hg19) VCF-style: chr7-143079408-C-T.
Other names: c.276C>T, p.Ala92= (NM_001010972.2, NM_001362783.2).
Identifiers: ClinVar variation 2658117 (VCV002658117.24), dbSNP rs11552742, ClinGen allele CA4538269.